The following is an entry in ClinVar:

NM_174941.6(CD163L1):c.4066T>C (p.Ser1356Pro)

Genes: CD163L1 (CD163 molecule like 1; minus strand), LOC126861436 (P300/CBP strongly-dependent group 1 enhancer GRCh37_chr12:7521391-7522590; plus strand). Cytogenetic location: 12p13.31.
Variant type: single nucleotide variant.
Coding change: c.4066T>C on transcript NM_174941.6 (MANE Select); coding-DNA position 4066, T replaced by C.
Protein change: p.Ser1356Pro; replaces serine 1356 with proline.
Molecular consequence: missense variant.
Genome position (GRCh38, 1-based): chr12:7,368,939, A>G on the plus strand (T>C on the coding strand, the complement: CD163L1 is on the minus strand). VCF-style: chr12-7368939-A-G. GRCh37 (hg19) VCF-style: chr12-7521535-A-G.
Other names: c.4096T>C, p.Ser1366Pro (NM_001297650.2); short protein forms S1356P, S1366P.
Identifiers: ClinVar variation 3024838 (VCV003024838.22), dbSNP rs145256685, ClinGen allele CA6427239.
Genomic context (GRCh38, chr12:7,368,939, plus strand): 5'-CCTTCCATGTAGCCTTAGGTATTTGTGTCAGCACTGATAGGCAGAAGACTATACCTGAGG[A>G]GGCATTCAGTGATTTCAGCGACTGTCCTGAGAGAGAGAGAGAGAGAGAGAGACGTAAATG-3'
Protein context (NP_777601.3, residues 1346-1366): SGQSLKSLNA[Ser1356Pro]SGHLALILSS

ClinVar aggregate classification (germline): Likely benign (1 of 4 stars; one submission).

Allele frequency attached by ClinVar (database versions not stated): 1000 Genomes Project 30x 0.00125; 1000 Genomes Project 0.00140; TOPMed 0.00207; ESP Exome Variant Server 0.00208; gnomAD 0.00210; ExAC 0.00223; gnomAD exomes 0.00305.
gnomAD v4.1: 4,772 of 1,613,598 alleles (0.3%); highest among the groups gnomAD compares: Non-Finnish European, 0.34%; 6 homozygotes.

Submission:

CeGaT Center for Human Genetics Tuebingen
Classification: Likely benign. Last evaluated: 2024-02-01. Review status: criteria provided, single submitter. Criteria: CeGaT Center For Human Genetics Tuebingen Variant Classification Criteria Version 2. Collection method: clinical testing. Allele origin: germline. Affected: yes. Observed: 1 variant allele.
Comment: CD163L1: BP4